The following is an entry in ClinVar:

ClinVar aggregate classification (germline): Uncertain significance. Review status: criteria provided, multiple submitters, no conflicts (2 of 4 stars). 3 submissions from 3 submitters: Uncertain significance (3). Last evaluated 2025-10-24.

Conditions:
Inborn genetic diseases. Identifiers: MedGen C0950123, MeSH D030342.
DMXL2-related disorder. Also called: DMXL2-related condition.

Allele frequency attached by ClinVar (database versions not stated): gnomAD exomes 0.00001; gnomAD 0.00005; TOPMed 0.00008.
gnomAD v4.1: 11 of 1,613,970 alleles (0.00068%); highest among the groups gnomAD compares: Admixed American, 0.0083%; no homozygotes.

Submissions (3):

PreventionGenetics, part of Exact Sciences
Classification: Uncertain significance for DMXL2-related condition. Last evaluated: 2025-10-24. Review status: criteria provided, single submitter. Criteria: ACMG Guidelines, 2015. Collection method: clinical testing. Allele origin: germline.
Comment: The DMXL2 c.5360G>T variant is predicted to result in the amino acid substitution p.Ser1787Ile. To our knowledge, this variant has not been reported in the literature. This variant is reported in 0.0065% of alleles in individuals of European (Non-Finnish) descent in gnomAD. At this time, the clinical significance of this variant is uncertain due to the absence of conclusive functional and genetic evidence.

Ambry Genetics
Classification: Uncertain significance for Inborn genetic diseases. Last evaluated: 2023-12-17. Review status: criteria provided, single submitter. Criteria: Ambry Variant Classification Scheme 2023. Collection method: clinical testing. Allele origin: germline.

Labcorp Genetics (formerly Invitae), Labcorp
Classification: Uncertain significance. Last evaluated: 2022-04-17. Review status: criteria provided, single submitter. Criteria: Invitae Variant Classification Sherloc (09022015). Collection method: clinical testing. Allele origin: germline.
Comment: This sequence change replaces serine, which is neutral and polar, with isoleucine, which is neutral and non-polar, at codon 1787 of the DMXL2 protein (p.Ser1787Ile). The frequency data for this variant in the population databases is considered unreliable, as metrics indicate poor data quality at this position in the gnomAD database. This variant has not been reported in the literature in individuals affected with DMXL2-related conditions. Algorithms developed to predict the effect of missense changes on protein structure and function (SIFT, PolyPhen-2, Align-GVGD) all suggest that this variant is likely to be tolerated. In summary, the available evidence is currently insufficient to determine the role of this variant in disease. Therefore, it has been classified as a Variant of Uncertain Significance.

NM_001378457.1(DMXL2):c.5360G>T (p.Ser1787Ile)

Gene: DMXL2 (Dmx like 2; minus strand). Cytogenetic location: 15q21.2.
Variant type: single nucleotide variant.
Coding change: c.5360G>T on transcript NM_001378457.1 (MANE Select); coding-DNA position 5360, G replaced by T.
Protein change: p.Ser1787Ile; replaces serine 1787 with isoleucine.
Molecular consequence: missense variant. On other transcripts: non-coding transcript variant (2).
Genome position (GRCh38, 1-based): chr15:51,486,195, C>A on the plus strand (G>T on the coding strand, the complement: DMXL2 is on the minus strand). VCF-style: chr15-51486195-C-A. GRCh37 (hg19) VCF-style: chr15-51778392-C-A.
Other names: c.5360G>T (NM_001174116.1); c.5360G>T, p.Ser1787Ile (NM_001174116.3, NM_001378458.1, NM_001378459.1 and 4 more transcripts); c.3452G>T, p.Ser1151Ile (NM_001174117.3); c.3341G>T, p.Ser1114Ile (NM_001378460.1); c.5120G>T, p.Ser1707Ile (NM_001378464.1); short protein forms S1787I, S1151I, S1707I, S1114I.
Identifiers: ClinVar variation 2160001 (VCV002160001.3), dbSNP rs938492431, ClinGen allele CA270564123.
Genomic context (GRCh38, chr15:51,486,195, plus strand): 5'-TCTTTCATTACCCAATAGGCAAGACTACGCAGGAAAGGATCAGGATGTAATCTTTTGCAA[C>A]TGAATCCTGAGCCATCCTTTTGGCAACCCAAAATCTTCTGATTTAGGATGGATATATAAG-3'
Protein context (NP_001365386.1, residues 1777-1797): LGCQKDGSGF[Ser1787Ile]CKRLHPDPFL